The following is an entry in ClinVar:

NM_014712.3(SETD1A):c.3485A>G (p.Lys1162Arg)

Gene: SETD1A (SET domain containing 1A, histone lysine methyltransferase; plus strand). Cytogenetic location: 16p11.2.
Variant type: single nucleotide variant.
Coding change: c.3485A>G on transcript NM_014712.3 (MANE Select); coding-DNA position 3485, A replaced by G.
Protein change: p.Lys1162Arg; replaces lysine 1162 with arginine.
Molecular consequence: missense variant.
Genome position (GRCh38, 1-based): chr16:30,979,271, A>G. VCF-style: chr16-30979271-A-G. GRCh37 (hg19) VCF-style: chr16-30990592-A-G.
Other names: short protein forms K1162R.
Identifiers: ClinVar variation 2444737 (VCV002444737.1), dbSNP rs2543900992, ClinGen allele CA395626819.

ClinVar aggregate classification (germline): Uncertain significance (1 of 4 stars; one submission).

Submission:

GeneDx
Classification: Uncertain significance. Last evaluated: 2022-09-14. Review status: criteria provided, single submitter. Criteria: GeneDx Variant Classification Process June 2021. Collection method: clinical testing. Allele origin: germline. Affected: yes.
Comment: Not observed at significant frequency in large population cohorts (gnomAD); In silico analysis supports that this missense variant does not alter protein structure/function; In silico analysis suggests this variant may impact gene splicing. In the absence of RNA/functional studies, the actual effect of this sequence change is unknown.; Has not been previously published as pathogenic or benign to our knowledge